The following is an entry in ClinVar:

ClinVar aggregate classification (germline): Uncertain significance (1 of 4 stars; one submission).

Allele frequency attached by ClinVar (database versions not stated): ExAC 0.00001; gnomAD exomes 0.00001.
gnomAD v4.1: 5 of 1,613,976 alleles (0.00031%); highest among the groups gnomAD compares: South Asian, 0.0044%; no homozygotes.

Submission:

Labcorp Genetics (formerly Invitae), Labcorp
Classification: Uncertain significance. Last evaluated: 2022-01-04. Review status: criteria provided, single submitter. Criteria: Invitae Variant Classification Sherloc (09022015). Collection method: clinical testing. Allele origin: germline.
Comment: This sequence change replaces glutamic acid, which is acidic and polar, with lysine, which is basic and polar, at codon 45 of the TPP1 protein (p.Glu45Lys). This variant is present in population databases (rs772163356, gnomAD 0.006%). This variant has not been reported in the literature in individuals affected with TPP1-related conditions. Algorithms developed to predict the effect of missense changes on protein structure and function are either unavailable or do not agree on the potential impact of this missense change (SIFT: "Tolerated"; PolyPhen-2: "Possibly Damaging"; Align-GVGD: "Class C0"). In summary, the available evidence is currently insufficient to determine the role of this variant in disease. Therefore, it has been classified as a Variant of Uncertain Significance.

NM_000391.4(TPP1):c.133G>A (p.Glu45Lys)

Gene: TPP1 (tripeptidyl peptidase 1; minus strand). Cytogenetic location: 11p15.4.
Variant type: single nucleotide variant.
Coding change: c.133G>A on transcript NM_000391.4 (MANE Select); coding-DNA position 133, G replaced by A.
Protein change: p.Glu45Lys; replaces glutamic acid 45 with lysine.
Molecular consequence: missense variant.
Genome position (GRCh38, 1-based): chr11:6,618,872, C>T on the plus strand (G>A on the coding strand, the complement: TPP1 is on the minus strand). VCF-style: chr11-6618872-C-T. GRCh37 (hg19) VCF-style: chr11-6640103-C-T.
Other names: short protein forms E45K.
Identifiers: ClinVar variation 1422518 (VCV001422518.5), dbSNP rs772163356, ClinGen allele CA5859044.